The following is an entry in ClinVar:

ClinVar aggregate classification (germline): Uncertain significance. Review status: criteria provided, multiple submitters, no conflicts (2 of 4 stars). 2 submissions from 2 submitters: Uncertain significance (2). Last evaluated 2025-03-31.

Conditions:
Inborn genetic diseases. Identifiers: MedGen C0950123, MeSH D030342.
Spondylodysplastic Ehlers-Danlos syndrome. Identifiers: Orphanet 536471, Orphanet 75496, MedGen C5680154, MONDO:0007526.

Allele frequency attached by ClinVar (database versions not stated): ExAC 0.00001; gnomAD 0.00003; TOPMed 0.00004; 1000 Genomes Project 0.00020; 1000 Genomes Project 30x 0.00031.

Submissions (2):

Ambry Genetics
Classification: Uncertain significance for Inborn genetic diseases. Last evaluated: 2025-03-31. Review status: criteria provided, single submitter. Criteria: Ambry Variant Classification Scheme 2023. Collection method: clinical testing. Allele origin: germline.

Labcorp Genetics (formerly Invitae), Labcorp
Classification: Uncertain significance for Spondylodysplastic Ehlers-Danlos syndrome. Last evaluated: 2022-03-04. Review status: criteria provided, single submitter. Criteria: Invitae Variant Classification Sherloc (09022015). Collection method: clinical testing. Allele origin: germline.
Comment: This sequence change replaces methionine, which is neutral and non-polar, with valine, which is neutral and non-polar, at codon 115 of the B4GALT7 protein (p.Met115Val). This variant is present in population databases (rs571496197, gnomAD 0.01%). This variant has not been reported in the literature in individuals affected with B4GALT7-related conditions. Algorithms developed to predict the effect of missense changes on protein structure and function are either unavailable or do not agree on the potential impact of this missense change (SIFT: "Deleterious"; PolyPhen-2: "Benign"; Align-GVGD: "Class C0"). In summary, the available evidence is currently insufficient to determine the role of this variant in disease. Therefore, it has been classified as a Variant of Uncertain Significance.

NM_007255.3(B4GALT7):c.343A>G (p.Met115Val)

Gene: B4GALT7 (beta-1,4-galactosyltransferase 7; plus strand). Cytogenetic location: 5q35.3.
Variant type: single nucleotide variant.
Coding change: c.343A>G on transcript NM_007255.3 (MANE Select); coding-DNA position 343, A replaced by G.
Protein change: p.Met115Val; replaces methionine 115 with valine.
Molecular consequence: missense variant.
Genome position (GRCh38, 1-based): chr5:177,604,471, A>G. VCF-style: chr5-177604471-A-G. GRCh37 (hg19) VCF-style: chr5-177031472-A-G.
Other names: c.343A>G (NM_007255.2); short protein forms M115V.
Identifiers: ClinVar variation 2148007 (VCV002148007.2), dbSNP rs571496197, ClinGen allele CA3586448.
Genomic context (GRCh38, chr5:177,604,471, plus strand): 5'-CTGGCAGTGCTGGTGCCCTTCCGCGAACGCTTCGAGGAGCTCCTGGTCTTCGTGCCCCAC[A>G]TGCGCCGCTTCCTGAGCAGGAAGAAGATCCGGCACCACATCTACGTGCTCAACCAGGTGG-3'
Protein context (NP_009186.1, residues 105-125): FEELLVFVPH[Met115Val]RRFLSRKKIR